The following is an entry in ClinVar:

ClinVar aggregate classification (germline): Uncertain significance (1 of 4 stars; one submission).

Conditions:
Hereditary cancer-predisposing syndrome. Also called: Neoplastic Syndromes, Hereditary; Tumor predisposition; Hereditary Cancer Syndrome; Hereditary neoplastic syndrome. Identifiers: Orphanet 140162, MedGen C0027672, MeSH D009386, MONDO:0015356.

Submission:

Color Diagnostics, LLC DBA Color Health
Classification: Uncertain significance for Hereditary cancer-predisposing syndrome. Last evaluated: 2023-07-17. Review status: criteria provided, single submitter. Criteria: ACMG Guidelines, 2015. Collection method: clinical testing. Allele origin: germline.
Comment: This missense variant replaces leucine with valine at codon 190 of the STK11 protein. Computational prediction is inconclusive regarding the impact of this variant on protein structure and function (internally defined REVEL score threshold 0.5 < inconclusive < 0.7, PMID: 27666373). To our knowledge, functional studies have not been reported for this variant. This variant has not been reported in individuals affected with STK11-related disorders in the literature. This variant has not been identified in the general population by the Genome Aggregation Database (gnomAD). The available evidence is insufficient to determine the role of this variant in disease conclusively. Therefore, this variant is classified as a Variant of Uncertain Significance.

NM_000455.5(STK11):c.568C>G (p.Leu190Val)

Gene: STK11 (serine/threonine kinase 11; plus strand). Cytogenetic location: 19p13.3.
Variant type: single nucleotide variant.
Coding change: c.568C>G on transcript NM_000455.5 (MANE Select); coding-DNA position 568, C replaced by G.
Protein change: p.Leu190Val; replaces leucine 190 with valine.
Molecular consequence: missense variant. On other transcripts: non-coding transcript variant (1).
Genome position (GRCh38, 1-based): chr19:1,220,476, C>G. VCF-style: chr19-1220476-C-G. GRCh37 (hg19) VCF-style: chr19-1220475-C-G.
Other names: c.568C>G, p.Leu190Val (NM_001407255.1); short protein forms L190V.
Identifiers: ClinVar variation 2774537 (VCV002774537.2), dbSNP rs2080774858, ClinGen allele CA402949218.